The following is an entry in ClinVar:

ClinVar aggregate classification (germline): Uncertain significance. Review status: criteria provided, multiple submitters, no conflicts (2 of 4 stars). 2 submissions from 2 submitters: Uncertain significance (2). Last evaluated 2025-12-10.

Conditions:
Inborn genetic diseases. Identifiers: MedGen C0950123, MeSH D030342.

Allele frequency attached by ClinVar (database versions not stated): gnomAD exomes 0.00001.
gnomAD v4.1: 16 of 1,614,240 alleles (0.00099%); highest among the groups gnomAD compares: Non-Finnish European, 0.0014%; no homozygotes.

Submissions (2):

Ambry Genetics
Classification: Uncertain significance for Inborn genetic diseases. Last evaluated: 2025-12-10. Review status: criteria provided, single submitter. Criteria: Ambry Variant Classification Scheme 2023. Collection method: clinical testing. Allele origin: germline.

GeneDx
Classification: Uncertain significance. Last evaluated: 2017-02-13. Review status: criteria provided, single submitter. Criteria: GeneDx Variant Classification (06012015). Collection method: clinical testing. Allele origin: germline. Affected: yes.
Comment: The V253M variant in the HERC2 gene has not been reported previously as a pathogenic variant, nor as a benign variant, to our knowledge. This variant is not observed in large population cohorts (Lek et al., 2016; 1000 Genomes Consortium et al., 2015; Exome Variant Server). The V253M variant is a conservative amino acid substitution, which is not likely to impact secondary protein structure as these residues share similar properties. This substitution occurs at a position that is conserved across species. In silico analysis is inconsistent in its predictions as to whether or not the variant is damaging to the protein structure/function. We interpret V253M as a variant of uncertain significance.

NM_004667.6(HERC2):c.757G>A (p.Val253Met)

Gene: HERC2 (HECT and RLD domain containing E3 ubiquitin protein ligase 2; minus strand). Cytogenetic location: 15q13.1.
Variant type: single nucleotide variant.
Coding change: c.757G>A on transcript NM_004667.6 (MANE Select); coding-DNA position 757, G replaced by A.
Protein change: p.Val253Met; replaces valine 253 with methionine.
Molecular consequence: missense variant.
Genome position (GRCh38, 1-based): chr15:28,274,334, C>T on the plus strand (G>A on the coding strand, the complement: HERC2 is on the minus strand). VCF-style: chr15-28274334-C-T. GRCh37 (hg19) VCF-style: chr15-28519480-C-T.
Other names: c.757G>A (NM_004667.4); short protein forms V253M.
Identifiers: ClinVar variation 423321 (VCV000423321.3), dbSNP rs1064796359, ClinGen allele CA16619915.